The following is an entry in ClinVar:

NM_000404.4(GLB1):c.1348-2A>G

Gene: GLB1 (galactosidase beta 1; minus strand). Cytogenetic location: 3p22.3.
Variant type: single nucleotide variant.
Coding change: c.1348-2A>G on transcript NM_000404.4 (MANE Select); the canonical splice acceptor site of the intron before coding-DNA position 1348, A replaced by G.
Molecular consequence: splice acceptor variant.
Genome position (GRCh38, 1-based): chr3:33,016,842, T>C on the plus strand (A>G on the coding strand, the complement: GLB1 is on the minus strand). VCF-style: chr3-33016842-T-C. GRCh37 (hg19) VCF-style: chr3-33058334-T-C.
Other names: c.955-2A>G (NM_001135602.3); c.1492-2A>G (NM_001317040.2); c.1258-2A>G (NM_001079811.3); c.1348-2A>G (NM_001393580.1).
Identifiers: ClinVar variation 4818311 (VCV004818311.1).

ClinVar aggregate classification (germline): Pathogenic (1 of 4 stars; one submission).

Conditions:
Mucopolysaccharidosis, MPS-IV-B (MPS4B). Also called: MORQUIO SYNDROME B; Mucopolysaccharidosis type 4B; Mucopolysaccharidosis type IVB (Morquio); MPS IVB; Mucopolysaccharidosis type IV B; Mucopolysaccharidosis Type IVB. Identifiers: Orphanet 309310, Orphanet 582, MedGen C0086652, MONDO:0009660, OMIM 253010.

gnomAD v4.1: 2 of 1,613,904 alleles (0.00012%); highest among the groups gnomAD compares: East Asian, 0.0045%; no homozygotes.

Submission:

Natera, Inc.
Classification: Pathogenic for Mucopolysaccharidosis, MPS-IV-B. Last evaluated: 2024-10-24. Review status: criteria provided, single submitter. Criteria: Natera Variant Classification Schema (03/2026). Collection method: clinical testing. Allele origin: germline.
Comment: The c.1348-2A>G variant in GLB1 is a canonical splice acceptor site variant predicted to affect pre-mRNA splicing, which may result in an abnormal transcript and altered protein product. This variant is expected to result in nonsense mediated decay, truncation, or a dysfunctional protein product. This variant is rare in the general population with a frequency below the threshold expected for the associated phenotype(s). This variant has been observed in one or more individuals affected with the associated recessive disease, as either homozygous or compound heterozygous with a second variant (PMID: 32219895). Functional studies show that this variant may disrupt protein function (PMID: 32219895). Given the available evidence, this variant is classified as Pathogenic.

Literature cited by the submitters: PubMed 32219895.